The following is an entry in ClinVar:

ClinVar aggregate classification (germline): Uncertain significance. Review status: criteria provided, multiple submitters, no conflicts (2 of 4 stars). 2 submissions from 2 submitters: Uncertain significance (2). Last evaluated 2025-03-26.

Conditions:
Brugada syndrome. Also called: Sudden unexpected nocturnal death syndrome; Sudden unexplained nocturnal death syndrome; Sudden Unexplained Death Syndrome; Sudden Unexplained Nocturnal Death Syndrome (SUNDS). Identifiers: Orphanet 130, MedGen C1142166, MONDO:0015263.
Cardiovascular phenotype. Identifiers: MedGen CN230736.

Allele frequency attached by ClinVar (database versions not stated): gnomAD exomes 0.00001; TOPMed 0.00001; ESP Exome Variant Server 0.00008; ExAC 0.00001; gnomAD 0.00001.
gnomAD v4.1: 13 of 1,605,902 alleles (0.00081%); highest among the groups gnomAD compares: Middle Eastern, 0.033%; no homozygotes.

Submissions (2):

Labcorp Genetics (formerly Invitae), Labcorp
Classification: Uncertain significance for Brugada syndrome. Last evaluated: 2025-03-26. Review status: criteria provided, single submitter. Criteria: Invitae Variant Classification Sherloc (09022015). Collection method: clinical testing. Allele origin: germline.
Comment: This sequence change replaces glycine, which is neutral and non-polar, with arginine, which is basic and polar, at codon 1051 of the SCN10A protein (p.Gly1051Arg). This variant is present in population databases (rs374447261, gnomAD 0.003%). This variant has not been reported in the literature in individuals affected with SCN10A-related conditions. ClinVar contains an entry for this variant (Variation ID: 407759). Invitae Evidence Modeling of protein sequence and biophysical properties (such as structural, functional, and spatial information, amino acid conservation, physicochemical variation, residue mobility, and thermodynamic stability) indicates that this missense variant is not expected to disrupt SCN10A protein function with a negative predictive value of 95%. In summary, the available evidence is currently insufficient to determine the role of this variant in disease. Therefore, it has been classified as a Variant of Uncertain Significance.

Ambry Genetics
Classification: Uncertain significance for Cardiovascular phenotype. Last evaluated: 2023-11-22. Review status: criteria provided, single submitter. Criteria: Ambry Variant Classification Scheme 2023. Collection method: clinical testing. Allele origin: germline.
Comment: The p.G1051R variant (also known as c.3151G>A), located in coding exon 17 of the SCN10A gene, results from a G to A substitution at nucleotide position 3151. The glycine at codon 1051 is replaced by arginine, an amino acid with dissimilar properties. This amino acid position is well conserved in available vertebrate species. In addition, this alteration is predicted to be tolerated by in silico analysis. Since supporting evidence is limited at this time, the clinical significance of this alteration remains unclear.

NM_006514.4(SCN10A):c.3151G>A (p.Gly1051Arg)

Genes: SCN10A (sodium voltage-gated channel alpha subunit 10; minus strand), LOC110121288 (VISTA enhancer hs2268; plus strand). Cytogenetic location: 3p22.2.
Variant type: single nucleotide variant.
Coding change: c.3151G>A on transcript NM_006514.4 (MANE Select); coding-DNA position 3151, G replaced by A.
Protein change: p.Gly1051Arg; replaces glycine 1051 with arginine.
Molecular consequence: missense variant.
Genome position (GRCh38, 1-based): chr3:38,725,251, C>T on the plus strand (G>A on the coding strand, the complement: SCN10A is on the minus strand). VCF-style: chr3-38725251-C-T. GRCh37 (hg19) VCF-style: chr3-38766742-C-T.
Other names: c.3148G>A, p.Gly1050Arg (NM_001293306.2); c.2857G>A, p.Gly953Arg (NM_001293307.2); c.3151G>A (NM_006514.2); short protein forms G1051R, G1050R, G953R.
Identifiers: ClinVar variation 407759 (VCV000407759.4), dbSNP rs374447261, ClinGen allele CA2320339.